The following is an entry in ClinVar:

ClinVar aggregate classification (germline): Uncertain significance (1 of 4 stars; one submission).

Submission:

GeneDx
Classification: Uncertain significance. Last evaluated: 2025-03-20. Review status: criteria provided, single submitter. Criteria: GeneDx Variant Classification Process June 2021. Collection method: clinical testing. Allele origin: germline. Affected: yes.
Comment: Not observed at significant frequency in large population cohorts (gnomAD); In silico analysis supports that this missense variant has a deleterious effect on protein structure/function; Has not been previously published as pathogenic or benign to our knowledge

NM_153704.6(TMEM67):c.1771A>C (p.Lys591Gln)

Gene: TMEM67 (transmembrane protein 67; plus strand). Cytogenetic location: 8q22.1.
Variant type: single nucleotide variant.
Coding change: c.1771A>C on transcript NM_153704.6 (MANE Select); coding-DNA position 1771, A replaced by C.
Protein change: p.Lys591Gln; replaces lysine 591 with glutamine.
Molecular consequence: missense variant. On other transcripts: non-coding transcript variant (1).
Genome position (GRCh38, 1-based): chr8:93,795,505, A>C. VCF-style: chr8-93795505-A-C. GRCh37 (hg19) VCF-style: chr8-94807733-A-C.
Other names: c.1528A>C, p.Lys510Gln (NM_001142301.1); short protein forms K510Q, K591Q.
Identifiers: ClinVar variation 4086525 (VCV004086525.1).
Genomic context (GRCh38, chr8:93,795,505, plus strand): 5'-CTGGCCAATGTTTTCTTTATCATCACAGTGGGAACAGGTCTTTACTGGCTTATTTTCTTC[A>C]AAGTGAGTGAGTTTCTGAATTTTCCCCAACTGCCAATATCTGAATAGTTGAAAAGCTTTC-3'
Protein context (NP_714915.3, residues 581-601): GTGLYWLIFF[Lys591Gln]AQKSVSVLLP